The following is an entry in ClinVar:

ClinVar aggregate classification (germline): Uncertain significance (1 of 4 stars; one submission).

gnomAD v4.1: 12 of 1,573,202 alleles (0.00076%); highest among the groups gnomAD compares: Admixed American, 0.0055%; no homozygotes.

Submission:

Ambry Genetics
Classification: Uncertain significance. Last evaluated: 2025-01-20. Review status: criteria provided, single submitter. Criteria: Ambry Variant Classification Scheme 2023. Collection method: clinical testing. Allele origin: germline.
Comment: The p.S628L variant (also known as c.1883C>T), located in coding exon 8 of the WNK2 gene, results from a C to T substitution at nucleotide position 1883. The serine at codon 628 is replaced by leucine, an amino acid with dissimilar properties. This amino acid position is conserved. In addition, the in silico prediction for this alteration is inconclusive. Based on the available evidence, the clinical significance of this variant remains unclear.

NM_006648.4(WNK2):c.1883C>T (p.Ser628Leu)

Gene: WNK2 (WNK lysine deficient protein kinase 2; plus strand). Cytogenetic location: 9q22.31.
Variant type: single nucleotide variant.
Coding change: c.1883C>T on transcript NM_006648.4 (MANE Select); coding-DNA position 1883, C replaced by T.
Protein change: p.Ser628Leu; replaces serine 628 with leucine.
Molecular consequence: missense variant.
Genome position (GRCh38, 1-based): chr9:93,252,931, C>T. VCF-style: chr9-93252931-C-T. GRCh37 (hg19) VCF-style: chr9-96015213-C-T.
Other names: c.1883C>T, p.Ser628Leu (NM_001282394.3); short protein forms S628L.
Identifiers: ClinVar variation 3816886 (VCV003816886.1).